The following is an entry in ClinVar:

NM_000936.4(PNLIP):c.548A>G (p.Asn183Ser)

Gene: PNLIP (pancreatic lipase; plus strand). Cytogenetic location: 10q25.3.
Variant type: single nucleotide variant.
Coding change: c.548A>G on transcript NM_000936.4 (MANE Select); coding-DNA position 548, A replaced by G.
Protein change: p.Asn183Ser; replaces asparagine 183 with serine.
Molecular consequence: missense variant.
Genome position (GRCh38, 1-based): chr10:116,553,815, A>G. VCF-style: chr10-116553815-A-G. GRCh37 (hg19) VCF-style: chr10-118313327-A-G.
Other names: c.548A>G (NM_000936.2); short protein forms N183S.
Identifiers: ClinVar variation 2787967 (VCV002787967.4), dbSNP rs1398158956, ClinGen allele CA378494327.

ClinVar aggregate classification (germline): Uncertain significance. Review status: criteria provided, multiple submitters, no conflicts (2 of 4 stars). 2 submissions from 2 submitters: Uncertain significance (2). Last evaluated 2024-01-22.

Allele frequency attached by ClinVar (database versions not stated): gnomAD 0.00001; gnomAD exomes 0.00001.
gnomAD v4.1: 9 of 1,611,060 alleles (0.00056%); highest among the groups gnomAD compares: East Asian, 0.0045%; no homozygotes.

Submissions (2):

Ambry Genetics
Classification: Uncertain significance. Last evaluated: 2024-01-22. Review status: criteria provided, single submitter. Criteria: Ambry Variant Classification Scheme 2023. Collection method: clinical testing. Allele origin: germline.

Labcorp Genetics (formerly Invitae), Labcorp
Classification: Uncertain significance. Last evaluated: 2023-04-10. Review status: criteria provided, single submitter. Criteria: Invitae Variant Classification Sherloc (09022015). Collection method: clinical testing. Allele origin: germline.
Comment: In summary, the available evidence is currently insufficient to determine the role of this variant in disease. Therefore, it has been classified as a Variant of Uncertain Significance. Advanced modeling of protein sequence and biophysical properties (such as structural, functional, and spatial information, amino acid conservation, physicochemical variation, residue mobility, and thermodynamic stability) performed at Invitae indicates that this missense variant is not expected to disrupt PNLIP protein function. This variant has not been reported in the literature in individuals affected with PNLIP-related conditions. This variant is present in population databases (no rsID available, gnomAD 0.005%). This sequence change replaces asparagine, which is neutral and polar, with serine, which is neutral and polar, at codon 183 of the PNLIP protein (p.Asn183Ser).